The following is an entry in ClinVar:

ClinVar aggregate classification (germline): Uncertain significance (1 of 4 stars; one submission).

Conditions:
Thrombophilia due to protein C deficiency, autosomal dominant. Also called: PROC DEFICIENCY, AUTOSOMAL DOMINANT; PROTEIN C DEFICIENCY, AUTOSOMAL DOMINANT. Identifiers: Orphanet 745, MedGen C2674321, MONDO:0008316, OMIM 176860. Disease mechanism: loss of function.

Submission:

Labcorp Genetics (formerly Invitae), Labcorp
Classification: Uncertain significance for Thrombophilia due to protein C deficiency, autosomal dominant. Last evaluated: 2021-04-23. Review status: criteria provided, single submitter. Criteria: Invitae Variant Classification Sherloc (09022015). Collection method: clinical testing. Allele origin: germline.
Comment: This variant is not present in population databases (ExAC no frequency). In summary, the available evidence is currently insufficient to determine the role of this variant in disease. Therefore, it has been classified as a Variant of Uncertain Significance. Algorithms developed to predict the effect of missense changes on protein structure and function do not agree on the potential impact of this missense change (SIFT: "Tolerated"; PolyPhen-2: "Possibly Damaging"; Align-GVGD: "Class C0"). This variant has not been reported in the literature in individuals with PROC-related disease. This sequence change replaces glutamic acid with lysine at codon 267 of the PROC protein (p.Glu267Lys). The glutamic acid residue is moderately conserved and there is a small physicochemical difference between glutamic acid and lysine.

NM_000312.4(PROC):c.799G>A (p.Glu267Lys)

Gene: PROC (protein C, inactivator of coagulation factors Va and VIIIa; plus strand). Cytogenetic location: 2q14.3.
Variant type: single nucleotide variant.
Coding change: c.799G>A on transcript NM_000312.4 (MANE Select); coding-DNA position 799, G replaced by A.
Protein change: p.Glu267Lys; replaces glutamic acid 267 with lysine.
Molecular consequence: missense variant.
Genome position (GRCh38, 1-based): chr2:127,428,359, G>A. VCF-style: chr2-127428359-G-A. GRCh37 (hg19) VCF-style: chr2-128185935-G-A.
Other names: c.982G>A, p.Glu328Lys (NM_001375602.1); c.964G>A, p.Glu322Lys (NM_001375603.1); c.862G>A, p.Glu288Lys (NM_001375604.1); c.901G>A, p.Glu301Lys (NM_001375605.1); c.967G>A, p.Glu323Lys (NM_001375606.1); c.985G>A, p.Glu329Lys (NM_001375607.1); c.742G>A, p.Glu248Lys (NM_001375608.1); c.775G>A, p.Glu259Lys (NM_001375609.1); and 2 more; short protein forms E267K, E248K, E259K, E265K, E288K, E301K, E322K, E323K.
Identifiers: ClinVar variation 469125 (VCV000469125.8), dbSNP rs1553425185, ClinGen allele CA348404218.